The following is an entry in ClinVar:

NM_152564.5(VPS13B):c.6538A>G (p.Ile2180Val)

Gene: VPS13B (vacuolar protein sorting 13 homolog B; plus strand). Cytogenetic location: 8q22.2.
Variant type: single nucleotide variant.
Coding change: c.6538A>G on transcript NM_152564.5 (MANE Select); coding-DNA position 6538, A replaced by G.
Protein change: p.Ile2180Val; replaces isoleucine 2180 with valine.
Molecular consequence: missense variant.
Genome position (GRCh38, 1-based): chr8:99,717,254, A>G. VCF-style: chr8-99717254-A-G. GRCh37 (hg19) VCF-style: chr8-100729482-A-G.
Other names: c.6538A>G (NM_152564.4); c.6613A>G, p.Ile2205Val (NM_017890.5); short protein forms I2180V, I2205V.
Identifiers: ClinVar variation 970667 (VCV000970667.7), dbSNP rs1179122669, ClinGen allele CA371867252.

ClinVar aggregate classification (germline): Uncertain significance. Review status: criteria provided, multiple submitters, no conflicts (2 of 4 stars). 3 submissions from 3 submitters: Uncertain significance (3). Last evaluated 2025-02-27.

Conditions:
Cohen syndrome (COH1). Also called: PEPPER SYNDROME; Cutis verticis gyrata, retinitis pigmentosa, and sensorineural deafness. Identifiers: Orphanet 193, MedGen C0265223, MONDO:0008999, OMIM 216550.
VPS13B-related disorder. Also called: VPS13B-related condition.

Allele frequency attached by ClinVar (database versions not stated): gnomAD exomes below 0.00001 and 0.00001; TOPMed 0.00001.
gnomAD v4.1: 7 of 1,614,054 alleles (0.00043%); highest among the groups gnomAD compares: Middle Eastern, 0.016%; no homozygotes.

Submissions (3):

PreventionGenetics, part of Exact Sciences
Classification: Uncertain significance for VPS13B-related condition. Last evaluated: 2025-02-27. Review status: criteria provided, single submitter. Criteria: ACMG Guidelines, 2015. Collection method: clinical testing. Allele origin: germline.
Comment: The VPS13B c.6538A>G variant is predicted to result in the amino acid substitution p.Ile2180Val. This variant is also referred to as c.6613A>G, p.Ile2205Val with the transcript NM_017890 listed in the Human Gene Mutation Database. To our knowledge, this variant has not been reported in the literature. This variant is reported in 0.00088% of alleles in individuals of European (Non-Finnish) descent in gnomAD. At this time, the clinical significance of this variant is uncertain due to the absence of conclusive functional and genetic evidence.

Labcorp Genetics (formerly Invitae), Labcorp
Classification: Uncertain significance for Cohen syndrome. Last evaluated: 2022-08-23. Review status: criteria provided, single submitter. Criteria: Invitae Variant Classification Sherloc (09022015). Collection method: clinical testing. Allele origin: germline.
Comment: This sequence change replaces isoleucine, which is neutral and non-polar, with valine, which is neutral and non-polar, at codon 2205 of the VPS13B protein (p.Ile2205Val). This variant is present in population databases (no rsID available, gnomAD 0.0009%). This variant has not been reported in the literature in individuals affected with VPS13B-related conditions. ClinVar contains an entry for this variant (Variation ID: 970667). Algorithms developed to predict the effect of missense changes on protein structure and function output the following: SIFT: "Not Available"; PolyPhen-2: "Benign"; Align-GVGD: "Not Available". The valine amino acid residue is found in multiple mammalian species, which suggests that this missense change does not adversely affect protein function. Algorithms developed to predict the effect of sequence changes on RNA splicing suggest that this variant may create or strengthen a splice site. In summary, the available evidence is currently insufficient to determine the role of this variant in disease. Therefore, it has been classified as a Variant of Uncertain Significance.

Breakthrough Genomics
Classification: Uncertain significance. Review status: criteria provided, single submitter. Criteria: ACMG Guidelines, 2015. Collection method: not provided. Allele origin: germline. Inheritance: Autosomal recessive inheritance. Affected: yes.